The following is an entry in ClinVar:

NM_001114753.3(ENG):c.1301C>G (p.Ser434Ter)

Genes: ENG (endoglin; minus strand), LOC102723566 (uncharacterized LOC102723566; plus strand). Cytogenetic location: 9q34.11.
Variant type: single nucleotide variant.
Coding change: c.1301C>G on transcript NM_001114753.3 (MANE Select); coding-DNA position 1301, C replaced by G.
Protein change: p.Ser434Ter; replaces serine 434 with a stop codon.
Molecular consequence: nonsense.
Genome position (GRCh38, 1-based): chr9:127,819,632, G>C on the plus strand (C>G on the coding strand, the complement: ENG is on the minus strand). VCF-style: chr9-127819632-G-C. GRCh37 (hg19) VCF-style: chr9-130581911-G-C.
Other names: c.1301C>G, p.Ser434Ter (NM_000118.4); c.755C>G, p.Ser252Ter (NM_001278138.2); short protein forms S434*, S252*.
Identifiers: ClinVar variation 1769420 (VCV001769420.5), dbSNP rs2539063234, ClinGen allele CA374978000.
Genomic context (GRCh38, chr9:127,819,632, plus strand): 5'-CAGCAGCAGCCCCTGGGCCAGGTGGGTTAGCACGTGACTGTCCATCTCACCCGCTGTGGT[G>C]ATGAGCTCGACAGGATATTGACCACCGCCTGCGGGGATAAAGCCAGGGAGCTGGTCAGAG-3'

ClinVar aggregate classification (germline): Pathogenic. Review status: criteria provided, multiple submitters, no conflicts (2 of 4 stars). 2 submissions from 2 submitters: Pathogenic (2). Last evaluated 2025-04-23.

Conditions:
Cardiovascular phenotype. Identifiers: MedGen CN230736.
Hereditary hemorrhagic telangiectasia (HHT). Also called: ORW DISEASE; Osler Weber Rendu syndrome; OSLER-RENDU-WEBER DISEASE; Osler hemorrhagic telangiectasia syndrome. Identifiers: Orphanet 774, MedGen C0039445, MONDO:0019180. Disease mechanism: loss of function.

Submissions (2):

Labcorp Genetics (formerly Invitae), Labcorp
Classification: Pathogenic for Hereditary hemorrhagic telangiectasia. Last evaluated: 2025-04-23. Review status: criteria provided, single submitter. Criteria: Invitae Variant Classification Sherloc (09022015). Collection method: clinical testing. Allele origin: germline.
Comment: This sequence change creates a premature translational stop signal (p.Ser434*) in the ENG gene. It is expected to result in an absent or disrupted protein product. Loss-of-function variants in ENG are known to be pathogenic (PMID: 15879500). This variant is not present in population databases (gnomAD no frequency). This variant has not been reported in the literature in individuals affected with ENG-related conditions. ClinVar contains an entry for this variant (Variation ID: 1769420). Algorithms developed to predict the effect of sequence changes on RNA splicing suggest that this variant may disrupt the consensus splice site. For these reasons, this variant has been classified as Pathogenic.

Ambry Genetics
Classification: Pathogenic for Cardiovascular phenotype. Last evaluated: 2019-06-11. Review status: criteria provided, single submitter. Criteria: Ambry Variant Classification Scheme 2023. Collection method: clinical testing. Allele origin: germline.
Comment: The p.S434* pathogenic mutation (also known as c.1301C>G), located in coding exon 10 of the ENG gene, results from a C to G substitution at nucleotide position 1301. This changes the amino acid from a serine to a stop codon within coding exon 10. This alteration is expected to result in loss of function by premature protein truncation or nonsense-mediated mRNA decay. As such, this alteration is interpreted as a disease-causing mutation.

Literature cited by the submitters: PubMed 15879500 (cited by Labcorp Genetics (formerly Invitae), Labcorp).